The following is an entry in ClinVar:

ClinVar aggregate classification (germline): Benign (0 of 4 stars; one submission).

Conditions:
MCM8-related disorder. Also called: MCM8-related condition.

Allele frequency attached by ClinVar (database versions not stated): ESP Exome Variant Server 0.00023; TOPMed 0.00033; gnomAD 0.00034; ExAC 0.00046.
gnomAD v4.1: 532 of 1,614,076 alleles (0.033%); highest among the groups gnomAD compares: African/African-American, 0.013%; 6 homozygotes.

Submission:

PreventionGenetics, part of Exact Sciences
Classification: Benign for MCM8-related condition. Last evaluated: 2019-07-31. Review status: no assertion criteria provided. Collection method: clinical testing. Allele origin: germline.
Comment: This variant is classified as benign based on ACMG/AMP sequence variant interpretation guidelines (Richards et al. 2015 PMID: 25741868, with internal and published modifications).

NM_032485.6(MCM8):c.2060G>A (p.Arg687Gln)

Gene: MCM8 (minichromosome maintenance 8 homologous recombination repair factor; plus strand). Cytogenetic location: 20p12.3.
Variant type: single nucleotide variant.
Coding change: c.2060G>A on transcript NM_032485.6 (MANE Select); coding-DNA position 2060, G replaced by A.
Protein change: p.Arg687Gln; replaces arginine 687 with glutamine.
Molecular consequence: missense variant.
Genome position (GRCh38, 1-based): chr20:5,986,028, G>A. VCF-style: chr20-5986028-G-A. GRCh37 (hg19) VCF-style: chr20-5966674-G-A.
Other names: c.2060G>A, p.Arg687Gln (NM_001281520.2); c.2180G>A, p.Arg727Gln (NM_001281521.2); c.1919G>A, p.Arg640Gln (NM_001281522.2); c.2012G>A, p.Arg671Gln (NM_182802.3); short protein forms R640Q, R671Q, R687Q, R727Q.
Identifiers: ClinVar variation 3035203 (VCV003035203.2), dbSNP rs149433613, ClinGen allele CA9756998.